The following is an entry in ClinVar:

ClinVar aggregate classification (germline): Uncertain significance (1 of 4 stars; one submission).

Conditions:
Hereditary cancer-predisposing syndrome. Also called: Neoplastic Syndromes, Hereditary; Tumor predisposition; Hereditary Cancer Syndrome; Hereditary neoplastic syndrome. Identifiers: Orphanet 140162, MedGen C0027672, MeSH D009386, MONDO:0015356.

gnomAD v4.1: 1 of 1,613,962 alleles (0.000062%); highest among the groups gnomAD compares: Non-Finnish European, 0.000085%; no homozygotes.

Submission:

Ambry Genetics
Classification: Uncertain significance for Hereditary cancer-predisposing syndrome. Last evaluated: 2026-05-31. Review status: criteria provided, single submitter. Criteria: Ambry Variant Classification Scheme 2023. Collection method: clinical testing. Allele origin: germline.
Comment: The p.Y1241F variant (also known as c.3722A>T), located in coding exon 22 of the PTCH1 gene, results from an A to T substitution at nucleotide position 3722. The tyrosine at codon 1241 is replaced by phenylalanine, an amino acid with highly similar properties. This amino acid position is conserved. In addition, the in silico prediction for this alteration is inconclusive. Based on the available evidence, the clinical significance of this variant remains unclear.

NM_000264.5(PTCH1):c.3722A>T (p.Tyr1241Phe)

Gene: PTCH1 (patched 1; minus strand). Cytogenetic location: 9q22.32.
Variant type: single nucleotide variant.
Coding change: c.3722A>T on transcript NM_000264.5 (MANE Select); coding-DNA position 3722, A replaced by T.
Protein change: p.Tyr1241Phe; replaces tyrosine 1241 with phenylalanine.
Molecular consequence: missense variant. On other transcripts: non-coding transcript variant (1).
Genome position (GRCh38, 1-based): chr9:95,449,151, T>A on the plus strand (A>T on the coding strand, the complement: PTCH1 is on the minus strand). VCF-style: chr9-95449151-T-A. GRCh37 (hg19) VCF-style: chr9-98211433-T-A.
Other names: c.3524A>T, p.Tyr1175Phe (NM_001083602.3); c.3719A>T, p.Tyr1240Phe (NM_001083603.3); c.3269A>T, p.Tyr1090Phe (NM_001083604.3, NM_001083605.3, NM_001083606.3 and 1 more transcripts); c.3566A>T, p.Tyr1189Phe (NM_001354918.2); short protein forms Y1090F, Y1175F, Y1189F, Y1240F, Y1241F.
Identifiers: ClinVar variation 4862707 (VCV004862707.1).